The following is an entry in ClinVar:

NM_000827.4(GRIA1):c.2610C>G (p.Gly870=)

Gene: GRIA1 (glutamate ionotropic receptor AMPA type subunit 1; plus strand). Cytogenetic location: 5q33.2.
Variant type: single nucleotide variant.
Coding change: c.2610C>G on transcript NM_000827.4 (MANE Select); coding-DNA position 2610, C replaced by G.
Protein change: p.Gly870=; no amino-acid change (glycine 870 retained).
Molecular consequence: synonymous variant. On other transcripts: non-coding transcript variant (2).
Genome position (GRCh38, 1-based): chr5:153,811,114, C>G. VCF-style: chr5-153811114-C-G. GRCh37 (hg19) VCF-style: chr5-153190674-C-G.
Other names: c.2610C>G, p.Gly870= (NM_001114183.2); c.2370C>G, p.Gly790= (NM_001258019.2); c.2325C>G, p.Gly775= (NM_001258020.2); c.2640C>G, p.Gly880= (NM_001258021.2, NM_001258022.2); c.2403C>G, p.Gly801= (NM_001258023.1, NM_001364167.2); c.2442C>G, p.Gly814= (NM_001364165.2); c.2637C>G, p.Gly879= (NM_001364166.2).
Identifiers: ClinVar variation 4535273 (VCV004535273.6).

ClinVar aggregate classification (germline): Likely benign (1 of 4 stars; one submission).

gnomAD v4.1: 3 of 1,613,960 alleles (0.00019%); highest among the groups gnomAD compares: Admixed American, 0.005%; no homozygotes.

Submission:

CeGaT Center for Human Genetics Tuebingen
Classification: Likely benign. Last evaluated: 2025-11-01. Review status: criteria provided, single submitter. Criteria: CeGaT Center For Human Genetics Tuebingen Variant Classification Criteria Version 2. Collection method: clinical testing. Allele origin: germline. Affected: yes. Observed: 1 variant allele.
Comment: GRIA1: BP4, BP7